The following is an entry in ClinVar:

NM_000018.4(ACADVL):c.663C>T (p.Ser221=)

Gene: ACADVL (acyl-CoA dehydrogenase very long chain; plus strand). Cytogenetic location: 17p13.1.
Variant type: single nucleotide variant.
Coding change: c.663C>T on transcript NM_000018.4 (MANE Select); coding-DNA position 663, C replaced by T.
Protein change: p.Ser221=; no amino-acid change (serine 221 retained).
Molecular consequence: synonymous variant.
Genome position (GRCh38, 1-based): chr17:7,221,992, C>T. VCF-style: chr17-7221992-C-T. GRCh37 (hg19) VCF-style: chr17-7125311-C-T.
Other names: NM_000018.4(ACADVL):c.663C>T; p.Ser221=; c.597C>T, p.Ser199= (NM_001033859.3); c.732C>T, p.Ser244= (NM_001270447.2); c.435C>T, p.Ser145= (NM_001270448.2).
Identifiers: ClinVar variation 383052 (VCV000383052.23), dbSNP rs144255994, ClinGen allele CA8337806.

ClinVar aggregate classification (germline): Likely benign. Review status: reviewed by expert panel (3 of 4 stars). 8 submissions from 8 submitters: Likely benign (1). 7 of the submissions do not count toward it. Last evaluated 2022-12-15.

Conditions:
Inborn genetic diseases. Identifiers: MedGen C0950123, MeSH D030342.
Very long chain acyl-CoA dehydrogenase deficiency (ACADVLD). Also called: VLCAD Deficiency; Very Long-Chain Acyl-Coenzyme A Dehydrogenase Deficiency. Identifiers: Orphanet 26793, MedGen C3887523, MONDO:0008723, OMIM 201475.
ACADVL-related disorder. Also called: ACADVL-related condition.

Allele frequency attached by ClinVar (database versions not stated): gnomAD exomes 0.00013 and 0.00035; ExAC 0.00038; 1000 Genomes Project 0.00100; 1000 Genomes Project 30x 0.00109; gnomAD 0.00109 and 0.00116; TOPMed 0.00127; ESP Exome Variant Server 0.00154.
gnomAD v4.1: 373 of 1,614,076 alleles (0.023%); highest among the groups gnomAD compares: African/African-American, 0.35%; no homozygotes.

Submissions (9):

ClinGen ACADVL Variant Curation Expert Panel, ClinGen
Classification: Likely benign for Very long chain acyl-CoA dehydrogenase deficiency. Last evaluated: 2022-12-15. Review status: reviewed by expert panel. Criteria: clingen acadvl acmg specifications v1. Collection method: curation. Allele origin: germline. Inheritance: Autosomal recessive inheritance.
Comment: The NM_000018.4(ACADVL):c.663C>T (p.Ser221=) variant is a synonymous (silent) variant that is not predicted by SpliceAI, MaxEntScn and NNSplice to impact splicing. In addition, it occurs at a nucleotide that is not conserved as shown by phyloP (BP4, BP7). The highest population minor allele frequency in gnomAD v2.1.1 is 0.00353 in African/African American population, which is higher than the ClinGen ACADVL Variant Curation Expert Panel threshold (≥0.0035) for BS1, and therefore meets this criterion (BS1). In summary, this variant meets the criteria to be classified as likely benign for autosomal recessive very long chain acyl-CoA dehydrogenase (VLCAD) deficiency based on the ACMG/AMP criteria applied, as specified by the ClinGen ACADVL Variant Curation Expert Panel: BS1, BP4, BP7.

Labcorp Genetics (formerly Invitae), Labcorp
Classification: Benign for Very long chain acyl-CoA dehydrogenase deficiency. Last evaluated: 2026-02-04. Review status: criteria provided, single submitter. Criteria: Invitae Variant Classification Sherloc (09022015). Collection method: clinical testing. Allele origin: germline. Not counted in ClinVar's aggregate classification.

Mayo Clinic Laboratories, Mayo Clinic
Classification: Likely benign. Last evaluated: 2025-05-10. Review status: criteria provided, single submitter. Criteria: ACMG Guidelines, 2015. Collection method: clinical testing. Allele origin: germline. Observed: 3 variant alleles. Not counted in ClinVar's aggregate classification.
Comment: BS1, BP4, BP7

Blueprint Genetics
Classification: Likely benign. Last evaluated: 2024-10-09. Review status: criteria provided, single submitter. Criteria: ACMG Guidelines, 2015. Collection method: clinical testing. Allele origin: germline. Not counted in ClinVar's aggregate classification.

Ambry Genetics
Classification: Likely benign for Inborn genetic diseases. Last evaluated: 2023-09-18. Review status: criteria provided, single submitter. Criteria: Ambry Variant Classification Scheme 2023. Collection method: clinical testing. Allele origin: germline. Not counted in ClinVar's aggregate classification.

GeneDx
Classification: Likely benign. Last evaluated: 2021-05-26. Review status: criteria provided, single submitter. Criteria: GeneDx Variant Classification Process June 2021. Collection method: clinical testing. Allele origin: germline. Affected: yes. Not counted in ClinVar's aggregate classification.

Breakthrough Genomics
Classification: Likely benign. Review status: criteria provided, single submitter. Criteria: ACMG Guidelines, 2015. Collection method: not provided. Allele origin: germline. Inheritance: Autosomal recessive inheritance. Affected: yes. Not counted in ClinVar's aggregate classification.

PreventionGenetics, part of Exact Sciences
Classification: Likely benign for ACADVL-related condition. Last evaluated: 2021-01-05. Review status: no assertion criteria provided. Collection method: clinical testing. Allele origin: germline. Not counted in ClinVar's aggregate classification.
Comment: This variant is classified as likely benign based on ACMG/AMP sequence variant interpretation guidelines (Richards et al. 2015 PMID: 25741868, with internal and published modifications).

Dr. Peter K. Rogan Lab, Western University
No classification provided (evidence only). Condition: Gastric cancer. Review status: no classification provided. Collection method: in vitro. Allele origin: not applicable. Functional consequence: retained intron. Not counted in ClinVar's aggregate classification.